The following is an entry in ClinVar:

NM_032520.5(GNPTG):c.323G>A (p.Trp108Ter)

Gene: GNPTG (N-acetylglucosamine-1-phosphate transferase subunit gamma; plus strand). Cytogenetic location: 16p13.3.
Variant type: single nucleotide variant.
Coding change: c.323G>A on transcript NM_032520.5 (MANE Select); coding-DNA position 323, G replaced by A.
Protein change: p.Trp108Ter; replaces tryptophan 108 with a stop codon.
Molecular consequence: nonsense.
Genome position (GRCh38, 1-based): chr16:1,362,043, G>A. VCF-style: chr16-1362043-G-A. GRCh37 (hg19) VCF-style: chr16-1412044-G-A.
Other names: short protein forms W108*.
Identifiers: ClinVar variation 4816333 (VCV004816333.1).

ClinVar aggregate classification (germline): Pathogenic (1 of 4 stars; one submission).

Conditions:
GNPTG-mucolipidosis. Also called: ML III GAMMA; ML IIIC; MUCOLIPIDOSIS III, COMPLEMENTATION GROUP C; MUCOLIPIDOSIS III, IRANIAN VARIANT FORM; MUCOLIPIDOSIS III, VARIANT FORM; Mucolipidosis type III gamma. Identifiers: Orphanet 423470, Orphanet 577, MedGen C1854896, MONDO:0009652, OMIM 252605.

Submission:

Natera, Inc.
Classification: Pathogenic for Mucolipidosis III gamma. Last evaluated: 2024-06-05. Review status: criteria provided, single submitter. Criteria: Natera Variant Classification Schema (03/2026). Collection method: clinical testing. Allele origin: germline.
Comment: The c.323G>A variant in GNPTG is a nonsense variant predicted to introduce a stop codon at amino acid 108. This variant is expected to result in nonsense mediated decay, truncation, or a dysfunctional protein product. This variant is rare in the general population with a frequency below the threshold expected for the associated phenotype(s). This variant has been observed in one or more individuals affected with the associated recessive disease, as either homozygous or compound heterozygous with a second variant (PMID: 30507725). Additionally, this variant has been observed to segregate in affected family members (PMID: 30507725). Given the available evidence, this variant is classified as Pathogenic.

Literature cited by the submitters: PubMed 30507725.